The following is an entry in ClinVar:

ClinVar aggregate classification (germline): Uncertain significance. Review status: criteria provided, single submitter (1 of 4 stars). 2 submissions from 2 submitters: Uncertain significance (1). 1 of the submissions does not count toward it. Last evaluated 2022-10-13.

Conditions:
PLXNA2-related disorder. Also called: PLXNA2-related condition.

Allele frequency attached by ClinVar (database versions not stated): gnomAD 0.00003; gnomAD exomes 0.00004; ExAC 0.00007; TOPMed 0.00007.
gnomAD v4.1: 59 of 1,611,658 alleles (0.0037%); highest among the groups gnomAD compares: Middle Eastern, 0.05%; 1 homozygote.

Submissions (2):

Labcorp Genetics (formerly Invitae), Labcorp
Classification: Uncertain significance. Last evaluated: 2022-10-13. Review status: criteria provided, single submitter. Criteria: Invitae Variant Classification Sherloc (09022015). Collection method: clinical testing. Allele origin: germline.
Comment: In summary, the available evidence is currently insufficient to determine the role of this variant in disease. Therefore, it has been classified as a Variant of Uncertain Significance. Advanced modeling of protein sequence and biophysical properties (such as structural, functional, and spatial information, amino acid conservation, physicochemical variation, residue mobility, and thermodynamic stability) performed at Invitae indicates that this missense variant is not expected to disrupt PLXNA2 protein function. This variant has not been reported in the literature in individuals affected with PLXNA2-related conditions. This variant is present in population databases (rs754654582, gnomAD 0.03%). This sequence change replaces glycine, which is neutral and non-polar, with arginine, which is basic and polar, at codon 304 of the PLXNA2 protein (p.Gly304Arg).

PreventionGenetics, part of Exact Sciences
Classification: Uncertain significance for PLXNA2-related condition. Last evaluated: 2023-12-04. Review status: no assertion criteria provided. Collection method: clinical testing. Allele origin: germline. Not counted in ClinVar's aggregate classification.
Comment: The PLXNA2 c.910G>A variant is predicted to result in the amino acid substitution p.Gly304Arg. To our knowledge, this variant has not been reported in the literature. This variant is reported in 0.030% of alleles in individuals of East Asian descent in gnomAD. At this time, the clinical significance of this variant is uncertain due to the absence of conclusive functional and genetic evidence.

NM_025179.4(PLXNA2):c.910G>A (p.Gly304Arg)

Gene: PLXNA2 (plexin A2; minus strand). Cytogenetic location: 1q32.2.
Variant type: single nucleotide variant.
Coding change: c.910G>A on transcript NM_025179.4 (MANE Select); coding-DNA position 910, G replaced by A.
Protein change: p.Gly304Arg; replaces glycine 304 with arginine.
Molecular consequence: missense variant.
Genome position (GRCh38, 1-based): chr1:208,217,013, C>T on the plus strand (G>A on the coding strand, the complement: PLXNA2 is on the minus strand). VCF-style: chr1-208217013-C-T. GRCh37 (hg19) VCF-style: chr1-208390358-C-T.
Other names: c.910G>A (NM_025179.3); short protein forms G304R.
Identifiers: ClinVar variation 2082976 (VCV002082976.7), dbSNP rs754654582, ClinGen allele CA1374005.